The following is an entry in ClinVar:

NM_000083.3(CLCN1):c.26G>A (p.Arg9His)

Gene: CLCN1 (chloride voltage-gated channel 1; plus strand). Cytogenetic location: 7q34.
Variant type: single nucleotide variant.
Coding change: c.26G>A on transcript NM_000083.3 (MANE Select); coding-DNA position 26, G replaced by A.
Protein change: p.Arg9His; replaces arginine 9 with histidine.
Molecular consequence: missense variant. On other transcripts: non-coding transcript variant (1).
Genome position (GRCh38, 1-based): chr7:143,316,238, G>A. VCF-style: chr7-143316238-G-A. GRCh37 (hg19) VCF-style: chr7-143013331-G-A.
Other names: short protein forms R9H.
Identifiers: ClinVar variation 359089 (VCV000359089.20), dbSNP rs115379077, ClinGen allele CA4536803.
Genomic context (GRCh38, chr7:143,316,238, plus strand): 5'-GGCCAAGGCCTGGCCGGGGCTCGGGGGGAGGGAATATGGAGCAATCCCGGTCACAGCAGC[G>A]TGGGGGTGAACAAAGCTGGTGGGGTAGTGACCCCCAGTACCAGTATATGCCCTTTGAACA-3'
Protein context (NP_000074.3, residues 1-19): MEQSRSQQ[Arg9His]GGEQSWWGSD

ClinVar aggregate classification (germline): Benign/Likely benign. Review status: criteria provided, multiple submitters, no conflicts (2 of 4 stars). 7 submissions from 7 submitters: Benign (5); Likely benign (1). 1 of the submissions does not count toward it. Last evaluated 2026-02-02.

Conditions:
CLCN1-related disorder. Also called: CLCN1-related condition.
Congenital myotonia, autosomal recessive form. Also called: BECKER DISEASE; myotonia congenita, autosomal recessive; Becker Generalized Myotonia. Identifiers: Orphanet 614, MedGen C0751360, MONDO:0009715, OMIM 255700.
Congenital myotonia, autosomal dominant form (THD). Also called: Myotonia congenita autosomal dominant; THOMSEN DISEASE. Identifiers: Orphanet 614, MedGen C2936781, MONDO:0008055, OMIM 160800.
Batten-Turner congenital myopathy. Also called: Myotonia congenita; Congenital myotonia. Identifiers: Orphanet 206973, MedGen C0027127, MONDO:0100468, OMIM 255300.

Allele frequency attached by ClinVar (database versions not stated): gnomAD exomes 0.00177; ExAC 0.00230; 1000 Genomes Project 30x 0.00656; 1000 Genomes Project 0.00699; gnomAD 0.00719 and 0.00775; ESP Exome Variant Server 0.00738; TOPMed 0.00856.
gnomAD v4.1: 2,144 of 1,613,654 alleles (0.13%); highest among the groups gnomAD compares: African/African-American, 2.5%; 15 homozygotes.

Submissions (7):

Labcorp Genetics (formerly Invitae), Labcorp
Classification: Benign for Congenital myotonia, autosomal recessive form; Congenital myotonia, autosomal dominant form. Last evaluated: 2026-02-02. Review status: criteria provided, single submitter. Criteria: Invitae Variant Classification Sherloc (09022015). Collection method: clinical testing. Allele origin: germline.

Fulgent Genetics
Classification: Likely benign for Congenital myotonia, autosomal dominant form; Congenital myotonia, autosomal recessive form. Last evaluated: 2021-11-22. Review status: criteria provided, single submitter. Criteria: ACMG Guidelines, 2015. Collection method: clinical testing. Allele origin: unknown.

Illumina Laboratory Services, Illumina
Classification: Benign for Myotonia congenita. Last evaluated: 2018-01-13. Review status: criteria provided, single submitter. Criteria: ICSL Variant Classification Criteria 13 December 2019. Collection method: clinical testing. Allele origin: germline.
Comment: This variant was observed in the ICSL laboratory as part of a predisposition screen in an ostensibly healthy population. It had not been previously curated by ICSL or reported in the Human Gene Mutation Database (HGMD: prior to June 1st, 2018), and was therefore a candidate for classification through an automated scoring system. Utilizing variant allele frequency, disease prevalence and penetrance estimates, and inheritance mode, an automated score was calculated to assess if this variant is too frequent to cause the disease. Based on the score and internal cut-off values, a variant classified as benign is not then subjected to further curation. The score for this variant resulted in a classification of benign for this disease.

Athena Diagnostics
Classification: Benign. Last evaluated: 2018-01-02. Review status: criteria provided, single submitter. Criteria: Athena Diagnostics Criteria. Collection method: clinical testing. Allele origin: germline.

GeneDx
Classification: Benign. Last evaluated: 2017-01-10. Review status: criteria provided, single submitter. Criteria: GeneDx Variant Classification (06012015). Collection method: clinical testing. Allele origin: germline. Affected: yes.
Comment: This variant is considered likely benign or benign based on one or more of the following criteria: it is a conservative change, it occurs at a poorly conserved position in the protein, it is predicted to be benign by multiple in silico algorithms, and/or has population frequency not consistent with disease.

Breakthrough Genomics
Classification: Benign. Review status: criteria provided, single submitter. Criteria: ACMG Guidelines, 2015. Collection method: not provided. Allele origin: germline. Inheritance: Autosomal recessive inheritance. Affected: yes.

PreventionGenetics, part of Exact Sciences
Classification: Benign for CLCN1-related condition. Last evaluated: 2019-07-03. Review status: no assertion criteria provided. Collection method: clinical testing. Allele origin: germline. Not counted in ClinVar's aggregate classification.
Comment: This variant is classified as benign based on ACMG/AMP sequence variant interpretation guidelines (Richards et al. 2015 PMID: 25741868, with internal and published modifications).